The following is an entry in ClinVar:

NM_001145809.2(MYH14):c.3467+4C>T

Gene: MYH14 (myosin heavy chain 14; plus strand). Cytogenetic location: 19q13.33.
Variant type: single nucleotide variant.
Coding change: c.3467+4C>T on transcript NM_001145809.2 (MANE Select); 4 bases into the intron after coding-DNA position 3467, C replaced by T.
Molecular consequence: intron variant.
Genome position (GRCh38, 1-based): chr19:50,272,735, C>T. VCF-style: chr19-50272735-C-T. GRCh37 (hg19) VCF-style: chr19-50775992-C-T.
Other names: c.3368+4C>T (NM_001077186.2); c.3344+4C>T (NM_024729.4).
Identifiers: ClinVar variation 2963724 (VCV002963724.3), dbSNP rs1264357621, ClinGen allele CA633896764.
Genomic context (GRCh38, chr19:50,272,735, plus strand): 5'-GGAGCTGCGGGCCCAGCTGGGCCGGAAGGAGGAGGAGCTGCAGGCTGCCCTGGCCAGGTG[C>T]AGGGTGGGGTGGGCTTGGTGGGGTAAGCAGCATGGGTGCACGGCCAGCCAGCGTGGGGTG-3'

ClinVar aggregate classification (germline): Uncertain significance (1 of 4 stars; one submission).

Allele frequency attached by ClinVar (database versions not stated): gnomAD exomes below 0.00001.
gnomAD v4.1: 6 of 1,549,764 alleles (0.00039%); highest among the groups gnomAD compares: Admixed American, 0.002%; no homozygotes.

Submission:

Labcorp Genetics (formerly Invitae), Labcorp
Classification: Uncertain significance. Last evaluated: 2023-07-27. Review status: criteria provided, single submitter. Criteria: Invitae Variant Classification Sherloc (09022015). Collection method: clinical testing. Allele origin: germline.
Comment: In summary, the available evidence is currently insufficient to determine the role of this variant in disease. Therefore, it has been classified as a Variant of Uncertain Significance. Variants that disrupt the consensus splice site are a relatively common cause of aberrant splicing (PMID: 17576681, 9536098). Algorithms developed to predict the effect of sequence changes on RNA splicing suggest that this variant may create or strengthen a splice site. This variant has not been reported in the literature in individuals affected with MYH14-related conditions. The frequency data for this variant in the population databases is considered unreliable, as metrics indicate poor data quality at this position in the gnomAD database. This sequence change falls in intron 25 of the MYH14 gene. It does not directly change the encoded amino acid sequence of the MYH14 protein. It affects a nucleotide within the consensus splice site.

Literature cited by the submitters: PubMed 17576681; PubMed 9536098.